The following is an entry in ClinVar:

ClinVar aggregate classification (germline): Uncertain significance. Review status: criteria provided, multiple submitters, no conflicts (2 of 4 stars). 6 submissions from 6 submitters: Uncertain significance (6). Last evaluated 2024-09-03.

Conditions:
Ectopia lentis 1, isolated, autosomal dominant (ECTOL1). Identifiers: Orphanet 1885, MedGen C3541518, MONDO:0007514, OMIM 129600.
Marfan syndrome (MFS). Also called: MARFAN SYNDROME, TYPE I; FBN1-Related Marfan Syndrome; Marfan syndrome, classic; Marfan syndrome type 1; Marfan's syndrome. Identifiers: Orphanet 284963, Orphanet 558, MedGen C0024796, MONDO:0007947, OMIM 154700.
Acromicric dysplasia (ACMICD). Also called: Acromicric skeletal dysplasia. Identifiers: Orphanet 969, MedGen C0265287, MONDO:0007055, OMIM 102370.
Geleophysic dysplasia 2 (GPHYSD2). Identifiers: Orphanet 2623, MedGen C3280054, MONDO:0013612, OMIM 614185.
MASS syndrome (OCTD). Also called: OVERLAP CONNECTIVE TISSUE DISEASE; MASS PHENOTYPE. Identifiers: MedGen C1858556, MONDO:0011431, OMIM 604308.
Stiff skin syndrome (SSKS). Identifiers: Orphanet 2833, MedGen C1861456, MONDO:0008492, OMIM 184900.
Weill-Marchesani syndrome 2, dominant. Also called: FBN1-Related Weill-Marchesani Syndrome; Weill-Marchesani Syndrome, Autosomal Dominant. Identifiers: Orphanet 2084, MedGen C1869115, MONDO:0012013, OMIM 608328.
Progeroid and marfanoid aspect-lipodystrophy syndrome. Also called: MARFANOID-PROGEROID-LIPODYSTROPHY SYNDROME; MARFANOID-PROGEROID SYNDROME; MARFAN-PROGEROID-LIPODYSTROPHY SYNDROME; Marfan lipodystrophy syndrome. Identifiers: Orphanet 300382, MedGen C4310796, MONDO:0014831, OMIM 616914.
Familial thoracic aortic aneurysm and aortic dissection (TAAD). Also called: Thoracic aortic aneurysms and dissections. Identifiers: Orphanet 91387, MedGen C4707243, MONDO:0019625.

Allele frequency attached by ClinVar (database versions not stated): gnomAD exomes below 0.00001; ExAC 0.00001; TOPMed 0.00001.
gnomAD v4.1: 5 of 1,614,218 alleles (0.00031%); highest among the groups gnomAD compares: Non-Finnish European, 0.00042%; no homozygotes.

Submissions (6):

Color Diagnostics, LLC DBA Color Health
Classification: Uncertain significance for Familial thoracic aortic aneurysm and aortic dissection. Last evaluated: 2024-09-03. Review status: criteria provided, single submitter. Criteria: ACMG Guidelines, 2015. Collection method: clinical testing. Allele origin: germline.
Comment: This missense variant replaces asparagine with serine at codon 2665 of the FBN1 protein. Computational prediction tools indicate that this variant has a deleterious impact on protein structure and function. To our knowledge, functional studies have not been reported for this variant. This variant has not been reported in individuals affected with FBN1-related disorders in the literature. This variant has been identified in 1/250670 chromosomes in the general population by the Genome Aggregation Database (gnomAD). The available evidence is insufficient to determine the role of this variant in disease conclusively. Therefore, this variant is classified as a Variant of Uncertain Significance.

GeneDx
Classification: Uncertain significance. Last evaluated: 2024-04-15. Review status: criteria provided, single submitter. Criteria: GeneDx Variant Classification Process June 2021. Collection method: clinical testing. Allele origin: germline. Affected: yes.
Comment: Has not been previously published as pathogenic or benign to our knowledge; Not observed at significant frequency in large population cohorts (gnomAD); In silico analysis supports that this missense variant has a deleterious effect on protein structure/function; This variant is associated with the following publications: (PMID: 20591885)

Labcorp Genetics (formerly Invitae), Labcorp
Classification: Uncertain significance for Marfan syndrome; Familial thoracic aortic aneurysm and aortic dissection. Last evaluated: 2023-08-17. Review status: criteria provided, single submitter. Criteria: Invitae Variant Classification Sherloc (09022015). Collection method: clinical testing. Allele origin: germline.
Comment: ClinVar contains an entry for this variant (Variation ID: 200124). Advanced modeling of protein sequence and biophysical properties (such as structural, functional, and spatial information, amino acid conservation, physicochemical variation, residue mobility, and thermodynamic stability) performed at Invitae indicates that this missense variant is expected to disrupt FBN1 protein function. In summary, the available evidence is currently insufficient to determine the role of this variant in disease. Therefore, it has been classified as a Variant of Uncertain Significance. This sequence change replaces asparagine, which is neutral and polar, with serine, which is neutral and polar, at codon 2665 of the FBN1 protein (p.Asn2665Ser). This variant is present in population databases (rs763173031, gnomAD 0.0009%). This variant has not been reported in the literature in individuals affected with FBN1-related conditions.

ARUP Laboratories, Molecular Genetics and Genomics, ARUP Laboratories
Classification: Uncertain significance for Marfan syndrome. Last evaluated: 2023-05-09. Review status: criteria provided, single submitter. Criteria: ARUP Molecular Germline Variant Investigation Process. Collection method: clinical testing. Allele origin: germline.
Comment: The FBN1 c.7994A>G, p.Asn2665Ser variant (rs763173031), to our knowledge, is not reported in the medical literature, but is reported in ClinVar (Variation ID: 200124). This variant is only observed on one allele in the Genome Aggregation Database, indicating it is not a common polymorphism. Computational analyses predict that this variant is deleterious (REVEL: 0.861). Due to limited information, the clinical significance of this variant is uncertain at this time.

Women's Health and Genetics/Laboratory Corporation of America, LabCorp
Classification: Uncertain significance. Last evaluated: 2022-05-17. Review status: criteria provided, single submitter. Criteria: LabCorp Variant Classification Summary - May 2015. Collection method: clinical testing. Allele origin: germline.
Comment: Variant summary: FBN1 c.7994A>G (p.Asn2665Ser) results in a conservative amino acid change in the encoded protein sequence. Four of five in-silico tools predict a damaging effect of the variant on protein function. The variant allele was found at a frequency of 4e-06 in 250670 control chromosomes. The available data on variant occurrences in the general population are insufficient to allow any conclusion about variant significance. To our knowledge, no occurrence of c.7994A>G in individuals affected with Marfan Syndrome and no experimental evidence demonstrating its impact on protein function have been reported. Four clinical diagnostic laboratories have submitted clinical-significance assessments for this variant to ClinVar after 2014 without evidence for independent evaluation (likely pathogenic n=1, VUS n=3). Based on the evidence outlined above, the variant was classified as uncertain significance.

Juno Genomics, Hangzhou Juno Genomics, Inc
Classification: Uncertain significance for Acromicric dysplasia; Ectopia lentis 1, isolated, autosomal dominant; Geleophysic dysplasia 2; Progeroid and marfanoid aspect-lipodystrophy syndrome; Marfan syndrome; MASS syndrome; Stiff skin syndrome; Weill-Marchesani syndrome 2, dominant. Review status: criteria provided, single submitter. Criteria: ACMG Guidelines, 2015. Collection method: clinical testing. Allele origin: germline. Affected: yes.
Comment: Absent from controls (or at extremely low frequency if recessive) in Genome Aggregation Database, Exome Sequencing Project, 1000 Genomes Project, or Exome Aggregation Consortium.;Missense variant in a gene that has a low rate of benign missense variation and where missense variants are a common mechanism of disease.;Multiple lines of computational evidence support a deleterious effect on the gene or gene product (conservation, evolutionary, splicing impact, etc).

NM_000138.5(FBN1):c.7994A>G (p.Asn2665Ser)

Gene: FBN1 (fibrillin 1; minus strand). Cytogenetic location: 15q21.1.
Variant type: single nucleotide variant.
Coding change: c.7994A>G on transcript NM_000138.5 (MANE Select); coding-DNA position 7994, A replaced by G.
Protein change: p.Asn2665Ser; replaces asparagine 2665 with serine.
Molecular consequence: missense variant.
Genome position (GRCh38, 1-based): chr15:48,415,593, T>C on the plus strand (A>G on the coding strand, the complement: FBN1 is on the minus strand). VCF-style: chr15-48415593-T-C. GRCh37 (hg19) VCF-style: chr15-48707790-T-C.
Other names: p.N2665S:AAT>AGT; short protein forms N2665S.
Identifiers: ClinVar variation 200124 (VCV000200124.32), dbSNP rs763173031, ClinGen allele CA017488.
Genomic context (GRCh38, chr15:48,415,593, plus strand): 5'-TACCCTTGGCCTATGCGGAAGTAACCAGGTGGACAGCCACACAGGTAACCGCCCTCGGTA[T>C]TGGAACAGCCATAGCTGCAGGGGGCCTGCGCAGAGCCACATTCATTGATGTCTTGGCATC-3'
Protein context (NP_000129.3, residues 2655-2675): AQAPCSYGCS[Asn2665Ser]TEGGYLCGCP